The following is an entry in ClinVar:

NM_053274.3(GLMN):c.1323dup (p.Thr442fs)

Gene: GLMN (glomulin, FKBP associated protein; minus strand). Cytogenetic location: 1p22.1.
Variant type: Duplication.
Coding change: c.1323dup on transcript NM_053274.3 (MANE Select); coding-DNA position 1323, one base duplicated (T; older notation c.1323dupT).
Protein change: p.Thr442fs; shifts the reading frame from threonine 442.
Molecular consequence: frameshift variant. On other transcripts: non-coding transcript variant (1).
Genome position (GRCh38, 1-based): chr1:92,263,709, A duplicated on the plus strand (T on the coding strand, the reverse complement: GLMN is on the minus strand); the first of 3 consecutive A bases (chr1:92,263,709-92,263,711); duplicating any one gives the same sequence. VCF-style (leftmost placement, unchanged base first): chr1-92263708-T-TA. GRCh37 (hg19) VCF-style: chr1-92729265-T-TA.
Other names: c.1281dup, p.Thr428fs (NM_001319683.2); short protein forms T428fs, T442fs.
Identifiers: ClinVar variation 660874 (VCV000660874.17), dbSNP rs771252983, ClinGen allele CA950278.
Genomic context (GRCh38, chr1:92,263,708, plus strand): 5'-TTTCTGCACCCTCTGGGAGAAAAAGTACCAAATCAAGAAGGGAAATCAACTGTGGTCCTG[T>TA]AAACCATTTGTTGTTACGTGTTCTCTGAAAAGCAAACGAAAAATTGAGAAAGCTTTATAA-3'

ClinVar aggregate classification (germline): Conflicting classifications of pathogenicity. Review status: criteria provided, conflicting classifications (1 of 4 stars). 5 submissions from 5 submitters: Pathogenic (1); Likely pathogenic (3); Uncertain significance (1). Last evaluated 2026-10-02.

Conditions:
Vascular skin disorders.
Glomuvenous malformation. Also called: GLOMANGIOMAS, MULTIPLE; GLOMUS TUMORS, MULTIPLE; VENOUS MALFORMATIONS WITH GLOMUS CELLS; Familial glomangioma. Identifiers: Orphanet 83454, MedGen C1841984, MONDO:0007672, OMIM 138000.

Submissions (5):

GeneDx
Classification: Uncertain significance. Last evaluated: 2026-10-02. Review status: criteria provided, single submitter. Criteria: GeneDx Variant Classification Process June 2021. Collection method: clinical testing. Allele origin: germline.
Comment: Identified in one patient from a cohort of individuals with vascular malformation or hemangiomas in published literature, although additional clinical information and familial segregation were not provided (PMID: 28655553); Frameshift variant predicted to result in protein truncation or nonsense mediated decay in a gene for which loss of function is a known mechanism of disease; This variant is associated with the following publications: (PMID: 28655553)

Genetics Laboratory, Great Ormond Street Hospital NHS Foundation Trust, North Thames Genomic Laboratory Hub
Classification: Likely pathogenic for Vascular skin disorders. Last evaluated: 2025-07-31. Review status: criteria provided, single submitter. Criteria: ACGS Best Practice Guidelines for Variant Classification in Rare Disease 2024 v1.2. Collection method: clinical testing. Allele origin: germline. Affected: yes.
Comment: PS4_supporting, PVS1_very-strong

Greenwood Genetic Center Diagnostic Laboratories, Greenwood Genetic Center
Classification: Likely pathogenic for Glomuvenous malformation. Last evaluated: 2022-12-30. Review status: criteria provided, single submitter. Criteria: ACMG Guidelines, 2015. Collection method: clinical testing. Allele origin: germline. Affected: yes.
Comment: PVS1, PM2

Revvity Omics, Revvity
Classification: Likely pathogenic for Glomuvenous malformation. Last evaluated: 2022-01-18. Review status: criteria provided, single submitter. Criteria: ACMG Guidelines, 2015. Collection method: clinical testing. Allele origin: germline.

Labcorp Genetics (formerly Invitae), Labcorp
Classification: Pathogenic. Last evaluated: 2018-12-25. Review status: criteria provided, single submitter. Criteria: Invitae Variant Classification Sherloc (09022015). Collection method: clinical testing. Allele origin: germline.
Comment: This variant is present in population databases (rs771252983, ExAC 0.06%). This sequence change creates a premature translational stop signal (p.Thr442Tyrfs*10) in the GLMN gene. It is expected to result in an absent or disrupted protein product. This variant has been observed in an individual affected with vascular anomalies (PMID: 28655553). Loss-of-function variants in GLMN are known to be pathogenic (PMID: 23801931). For these reasons, this variant has been classified as Pathogenic.

Literature cited by the submitters: PubMed 28655553 (cited by Labcorp Genetics (formerly Invitae), Labcorp); PubMed 23801931 (cited by Labcorp Genetics (formerly Invitae), Labcorp).